The following is an entry in ClinVar:

ClinVar aggregate classification (germline): Likely pathogenic. Review status: reviewed by expert panel (3 of 4 stars). 2 submissions from 2 submitters: Likely pathogenic (1). 1 of the submissions does not count toward it. Last evaluated 2025-12-16.

Conditions:
Nonarteritic anterior ischemic optic neuropathy, susceptibility to (NAION). Also called: NAION, SUSCEPTIBILITY TO; OPTIC NEUROPATHY, ANTERIOR ISCHEMIC, SUSCEPTIBILITY TO. Identifiers: MedGen C1847711, MONDO:0009789, OMIM 258660.
Bernard Soulier syndrome (BSS). Also called: BLEEDING DISORDER, PLATELET-TYPE, 1; GLYCOPROTEIN Ib, PLATELET, DEFICIENCY OF; PLATELET GLYCOPROTEIN Ib DEFICIENCY; VON WILLEBRAND FACTOR RECEPTOR DEFICIENCY; Giant platelet syndrome; Hemorrhagiparous thrombocytic dystrophy. Identifiers: Orphanet 274, MedGen C0005129, MeSH D001606, MONDO:0009276, OMIM 231200.
Pseudo von Willebrand disease (VWDP). Also called: BLEEDING DISORDER, PLATELET-TYPE, 3; Platelet-type von Willebrand disease. Identifiers: Orphanet 52530, MedGen C1280798, MONDO:0008332, OMIM 177820.
Bernard-Soulier syndrome, type A2, autosomal dominant (BSSA2). Also called: Bernard-Soulier syndrome, type A2 (dominant). Identifiers: Orphanet 274, MedGen C3277076, MONDO:0007930, OMIM 153670.

Submissions (2):

ClinGen Platelet Disorders Variant Curation Expert Panel, ClinGen
Classification: Likely pathogenic for Bernard Soulier syndrome. Last evaluated: 2025-12-16. Review status: reviewed by expert panel. Criteria: ClinGen Platelet ACMG Specifications GP1BA V1.0.0. Collection method: curation. Allele origin: germline. Inheritance: Autosomal recessive inheritance.
Comment: The c.624del (p.Phe208LeufsTer48) variant in GP1BA is a nonsense variant that may cause loss of function of the protein, however it is predicted to escape nonsense mediated decay and remove >10% of the protein (PVS1_Strong). At least one patient (Patient BSS-2 in PMID:23300803) with this variant had aggregation absent for ristocetin and present for all other agonists as well as less than 10% expression of GPIba measured by flow cytometry, which is highly specific for Bernard-Soulier syndrome Additionally, the patient had macrothrombocytopenia which is consistent with Bernard-Soulier syndrome (PP4). This variant is absent from gnomAD v4.1.0 (PM2_Supporting). In summary, this variant meets the criteria to be classified as Likely Pathogenic for autosomal recessive Bernard-Soulier syndrome based on the ACMG/AMP criteria applied, as specified by the ClinGen PD VCEP: PVS1_Strong, PP4, PM3_Supporting and PM2_Supporting (VCEP specifications version 1.1).

Fulgent Genetics
Classification: Likely pathogenic for Bernard-Soulier syndrome, type A2, autosomal dominant; Pseudo von Willebrand disease; Bernard Soulier syndrome; Nonarteritic anterior ischemic optic neuropathy, susceptibility to. Last evaluated: 2024-03-26. Review status: criteria provided, single submitter. Criteria: ACMG Guidelines, 2015. Collection method: clinical testing. Allele origin: germline. Not counted in ClinVar's aggregate classification.

NM_000173.7(GP1BA):c.624del (p.Phe208fs)

Gene: GP1BA (glycoprotein Ib platelet subunit alpha; plus strand). Cytogenetic location: 17p13.2.
Variant type: Deletion.
Coding change: c.624del on transcript NM_000173.7 (MANE Select); coding-DNA position 624, one base deleted (T; older notation c.624delT).
Protein change: p.Phe208fs; shifts the reading frame from phenylalanine 208.
Molecular consequence: frameshift variant.
Genome position (GRCh38, 1-based): chr17:4,933,228, T deleted; the last of 6 consecutive T bases (chr17:4,933,223-4,933,228); deleting any one gives the same sequence. VCF-style (leftmost placement, unchanged base first): chr17-4933222-CT-C. GRCh37 (hg19) VCF-style: chr17-4836517-CT-C.
Other names: NM_000173.7(GP1BA):c.624del; p.Phe208fs; short protein forms F208fs.
Identifiers: ClinVar variation 3582323 (VCV003582323.1).